The following is an entry in ClinVar:

NM_015443.4(KANSL1):c.1804C>T (p.Arg602Trp)

Gene: KANSL1 (KAT8 regulatory NSL complex subunit 1). Cytogenetic location: 17q21.31.
Variant type: single nucleotide variant.
Coding change: c.1804C>T on transcript NM_015443.4 (MANE Select); coding-DNA position 1804, C replaced by T.
Protein change: p.Arg602Trp; replaces arginine 602 with tryptophan.
Molecular consequence: missense variant.
Genome position (GRCh38, 1-based): chr17:46,066,581, G>A on the plus strand (C>T on the coding strand, the complement: KANSL1 is on the minus strand). VCF-style: chr17-46066581-G-A. GRCh37 (hg19) VCF-style: chr17-44143947-G-A.
Other names: c.1804C>T, p.Arg602Trp (NM_001193465.2, NM_001193466.2, NM_001379198.1 and 14 more transcripts); c.1702C>T, p.Arg568Trp (NM_001405859.1, NM_001405860.1, NM_001405861.1 and 1 more transcripts); c.538C>T, p.Arg180Trp (NM_001405882.1, NM_001405883.1, NM_001405884.1 and 1 more transcripts); short protein forms R568W, R180W, R602W.
Identifiers: ClinVar variation 4768007 (VCV004768007.1).

ClinVar aggregate classification (germline): Pathogenic (1 of 4 stars; one submission).

Conditions:
Koolen-de Vries syndrome (KDVS). Identifiers: Orphanet 96169, MedGen C1864871, MONDO:0012496, OMIM 610443.

gnomAD v4.1: 1 of 1,613,726 alleles (0.000062%); highest among the groups gnomAD compares: Non-Finnish European, 0.000085%; no homozygotes.

Submission:

Labcorp Genetics (formerly Invitae), Labcorp
Classification: Pathogenic for Koolen-de Vries syndrome. Last evaluated: 2025-03-17. Review status: criteria provided, single submitter. Criteria: Invitae Variant Classification Sherloc (09022015). Collection method: clinical testing. Allele origin: germline.
Comment: This sequence change replaces arginine, which is basic and polar, with tryptophan, which is neutral and slightly polar, at codon 602 of the KANSL1 protein (p.Arg602Trp). This variant is not present in population databases (gnomAD no frequency). This missense change has been observed in individual(s) with Koolen-de Vries syndrome (internal data). In at least one individual the variant was observed to be de novo. Invitae Evidence Modeling of protein sequence and biophysical properties (such as structural, functional, and spatial information, amino acid conservation, physicochemical variation, residue mobility, and thermodynamic stability) indicates that this missense variant is expected to disrupt KANSL1 protein function with a positive predictive value of 80%. For these reasons, this variant has been classified as Pathogenic.